The following is an entry in ClinVar:

ClinVar aggregate classification (germline): Uncertain significance (1 of 4 stars; one submission).

Conditions:
TH-deficient dopa-responsive dystonia. Also called: DYT-TH; Tyrosine Hydroxylase-Deficient Dopa-Responsive Dystonia; Segawa syndrome, autosomal recessive. Identifiers: Orphanet 101150, MedGen C2673535, MONDO:0011551, OMIM 605407.

Allele frequency attached by ClinVar (database versions not stated): TOPMed below 0.00001; gnomAD 0.00001.

Submission:

Labcorp Genetics (formerly Invitae), Labcorp
Classification: Uncertain significance for TH-deficient dopa-responsive dystonia. Last evaluated: 2023-12-14. Review status: criteria provided, single submitter. Criteria: Invitae Variant Classification Sherloc (09022015). Collection method: clinical testing. Allele origin: germline.
Comment: This sequence change replaces leucine, which is neutral and non-polar, with proline, which is neutral and non-polar, at codon 289 of the TH protein (p.Leu289Pro). This variant is not present in population databases (gnomAD no frequency). This variant has not been reported in the literature in individuals affected with TH-related conditions. ClinVar contains an entry for this variant (Variation ID: 1010918). Advanced modeling of protein sequence and biophysical properties (such as structural, functional, and spatial information, amino acid conservation, physicochemical variation, residue mobility, and thermodynamic stability) has been performed at Invitae for this missense variant, however the output from this modeling did not meet the statistical confidence thresholds required to predict the impact of this variant on TH protein function. In summary, the available evidence is currently insufficient to determine the role of this variant in disease. Therefore, it has been classified as a Variant of Uncertain Significance.

NM_000360.4(TH):c.773T>C (p.Leu258Pro)

Gene: TH (tyrosine hydroxylase; minus strand). Cytogenetic location: 11p15.5.
Variant type: single nucleotide variant.
Coding change: c.773T>C on transcript NM_000360.4 (MANE Select); coding-DNA position 773, T replaced by C.
Protein change: p.Leu258Pro; replaces leucine 258 with proline.
Molecular consequence: missense variant.
Genome position (GRCh38, 1-based): chr11:2,166,955, A>G on the plus strand (T>C on the coding strand, the complement: TH is on the minus strand). VCF-style: chr11-2166955-A-G. GRCh37 (hg19) VCF-style: chr11-2188185-A-G.
Other names: c.866T>C, p.Leu289Pro (NM_199292.3); c.854T>C, p.Leu285Pro (NM_199293.3); short protein forms L258P, L285P, L289P.
Identifiers: ClinVar variation 1010918 (VCV001010918.10), dbSNP rs1846111747, ClinGen allele CA379126799.
Genomic context (GRCh38, chr11:2,166,955, plus strand): 5'-AAGCGGGAGACGTCCTCCAGCTGGGGGATATTGTCTTCCCGGTAGCCGCTGAAGCGCTCC[A>G]GCAAAGCAAAGGCCTCCAGGTGCTCCCCGCAGGCGTGCGTGGCGTAGAGGCCCTTCAGCG-3'
Protein context (NP_000351.2, residues 248-268): CGEHLEAFAL[Leu258Pro]ERFSGYREDN